The following is an entry in ClinVar:

NM_003002.4(SDHD):c.291A>C (p.Ala97=)

Gene: SDHD (succinate dehydrogenase complex subunit D; plus strand). Cytogenetic location: 11q23.1.
Variant type: single nucleotide variant.
Coding change: c.291A>C on transcript NM_003002.4 (MANE Select); coding-DNA position 291, A replaced by C.
Protein change: p.Ala97=; no amino-acid change (alanine 97 retained).
Molecular consequence: synonymous variant. On other transcripts: non-coding transcript variant (1), intron variant (1).
Genome position (GRCh38, 1-based): chr11:112,088,988, A>C. VCF-style: chr11-112088988-A-C. GRCh37 (hg19) VCF-style: chr11-111959712-A-C.
Other names: c.174A>C, p.Ala58= (NM_001276504.2); c.291A>C, p.Ala97= (NM_001276506.2); c.169+1015A>C (NM_001276503.2).
Identifiers: ClinVar variation 757938 (VCV000757938.18), dbSNP rs1592780682, ClinGen allele CA476790518.

ClinVar aggregate classification (germline): Benign/Likely benign. Review status: criteria provided, multiple submitters, no conflicts (2 of 4 stars). 4 submissions from 4 submitters: Benign (1); Likely benign (3). Last evaluated 2025-03-17.

Conditions:
Hereditary cancer-predisposing syndrome. Also called: Tumor predisposition; Hereditary Cancer Syndrome; Hereditary neoplastic syndrome; Neoplastic Syndromes, Hereditary. Identifiers: Orphanet 140162, MedGen C0027672, MeSH D009386, MONDO:0015356.
Hereditary pheochromocytoma and paraganglioma. Also called: Hereditary paragangliomas and pheochromocytomas; Hereditary pheochromocytoma-paraganglioma; Hereditary Paraganglioma-Pheochromocytoma Syndromes. Identifiers: Orphanet 29072, MedGen C4274332, MONDO:0017366.
Pheochromocytoma/paraganglioma syndrome 1. Also called: SDHD-Related Hereditary Paraganglioma-Pheochromocytoma Syndrome; PARAGANGLIOMATA; PARAGANGLIOMAS, FAMILIAL NONCHROMAFFIN, 1; PGL 1; Paragangliomas familial 1; Paragangliomas 1. Identifiers: Orphanet 29072, MedGen C3494181, MONDO:0008192, OMIM 168000.
Cowden syndrome 3 (CWS3). Identifiers: Orphanet 201, MedGen CN166604, MONDO:0014045.
Paragangliomas with sensorineural hearing loss. Identifiers: MedGen C1868633.
Carney-Stratakis syndrome. Also called: PARAGANGLIOMA AND GASTROINTESTINAL STROMAL TUMOR. Identifiers: Orphanet 97286, MedGen C1847319, MONDO:0011740, OMIM 606864.
Pheochromocytoma. Also called: MAX-Related Hereditary Paraganglioma-Pheochromocytoma Syndrome. Identifiers: Orphanet 29072, MedGen C0031511, MONDO:0008233, OMIM 171300, HP:0002666.

Submissions (4):

Myriad Genetics, Inc.
Classification: Benign for Pheochromocytoma/paraganglioma syndrome 1. Last evaluated: 2025-03-17. Review status: criteria provided, single submitter. Criteria: Myriad Autosomal Dominant, Autosomal Recessive and X-Linked Classification Criteria (2023). Collection method: clinical testing. Allele origin: unknown.
Comment: This variant is considered benign. This variant is a silent/synonymous amino acid change and it is not expected to impact splicing.

Labcorp Genetics (formerly Invitae), Labcorp
Classification: Likely benign for Carney-Stratakis syndrome; Paragangliomas with sensorineural hearing loss; Pheochromocytoma; Cowden syndrome 3. Last evaluated: 2024-10-10. Review status: criteria provided, single submitter. Criteria: Invitae Variant Classification Sherloc (09022015). Collection method: clinical testing. Allele origin: germline.

All of Us Research Program, National Institutes of Health
Classification: Likely benign for Hereditary pheochromocytoma and paraganglioma. Last evaluated: 2024-05-14. Review status: criteria provided, single submitter. Criteria: ACMG Guidelines, 2015. Collection method: clinical testing. Allele origin: germline. Inheritance: Autosomal dominant inheritance. Observed: 1 variant allele, 1 heterozygote.
Comment: This study involves interpretation of variants in research participants for the purpose of population health screening. Participant phenotype was not available at the time of variant classification. Additional details can be found in publication PMID: 35346344, PMCID: PMC8962531

Ambry Genetics
Classification: Likely benign for Hereditary cancer-predisposing syndrome. Last evaluated: 2019-07-17. Review status: criteria provided, single submitter. Criteria: Ambry Variant Classification Scheme 2023. Collection method: clinical testing. Allele origin: germline.